The following is an entry in ClinVar:

NM_006904.7(PRKDC):c.2012C>T (p.Ser671Phe)

Gene: PRKDC (protein kinase, DNA-activated, catalytic subunit; minus strand). Cytogenetic location: 8q11.21.
Variant type: single nucleotide variant.
Coding change: c.2012C>T on transcript NM_006904.7 (MANE Select); coding-DNA position 2012, C replaced by T.
Protein change: p.Ser671Phe; replaces serine 671 with phenylalanine.
Molecular consequence: missense variant.
Genome position (GRCh38, 1-based): chr8:47,929,893, G>A on the plus strand (C>T on the coding strand, the complement: PRKDC is on the minus strand). VCF-style: chr8-47929893-G-A. GRCh37 (hg19) VCF-style: chr8-48842453-G-A.
Other names: c.2012C>T, p.Ser671Phe (NM_001081640.2); short protein forms S671F.
Identifiers: ClinVar variation 1784433 (VCV001784433.2), dbSNP rs1019336608, ClinGen allele CA176164575.

ClinVar aggregate classification (germline): Uncertain significance (1 of 4 stars; one submission).

Allele frequency attached by ClinVar (database versions not stated): gnomAD exomes below 0.00001.
gnomAD v4.1: 3 of 1,603,146 alleles (0.00019%); highest among the groups gnomAD compares: Admixed American, 0.0018%; no homozygotes.

Submission:

Ambry Genetics
Classification: Uncertain significance. Last evaluated: 2021-11-05. Review status: criteria provided, single submitter. Criteria: Ambry Variant Classification Scheme 2023. Collection method: clinical testing. Allele origin: germline.
Comment: The p.S671F variant (also known as c.2012C>T), located in coding exon 18 of the PRKDC gene, results from a C to T substitution at nucleotide position 2012. The serine at codon 671 is replaced by phenylalanine, an amino acid with highly dissimilar properties. This amino acid position is conserved. In addition, this alteration is predicted to be tolerated by in silico analysis. Since supporting evidence is limited at this time, the clinical significance of this alteration remains unclear.